The following is an entry in ClinVar:

ClinVar aggregate classification (germline): Uncertain significance (1 of 4 stars; one submission).

Submission:

Labcorp Genetics (formerly Invitae), Labcorp
Classification: Uncertain significance. Last evaluated: 2022-12-04. Review status: criteria provided, single submitter. Criteria: Invitae Variant Classification Sherloc (09022015). Collection method: clinical testing. Allele origin: germline.
Comment: In summary, the available evidence is currently insufficient to determine the role of this variant in disease. Therefore, it has been classified as a Variant of Uncertain Significance. Advanced modeling of protein sequence and biophysical properties (such as structural, functional, and spatial information, amino acid conservation, physicochemical variation, residue mobility, and thermodynamic stability) performed at Invitae indicates that this missense variant is not expected to disrupt EMC1 protein function. This variant has not been reported in the literature in individuals affected with EMC1-related conditions. This variant is not present in population databases (gnomAD no frequency). This sequence change replaces arginine, which is basic and polar, with glycine, which is neutral and non-polar, at codon 288 of the EMC1 protein (p.Arg288Gly).

NM_015047.3(EMC1):c.862C>G (p.Arg288Gly)

Genes: EMC1 (ER membrane protein complex subunit 1; minus strand), EMC1-AS1 (EMC1 antisense RNA 1; plus strand). Cytogenetic location: 1p36.13.
Variant type: single nucleotide variant.
Coding change: c.862C>G on transcript NM_015047.3 (MANE Select); coding-DNA position 862, C replaced by G.
Protein change: p.Arg288Gly; replaces arginine 288 with glycine.
Molecular consequence: missense variant.
Genome position (GRCh38, 1-based): chr1:19,239,910, G>C on the plus strand (C>G on the coding strand, the complement: EMC1 is on the minus strand). VCF-style: chr1-19239910-G-C. GRCh37 (hg19) VCF-style: chr1-19566404-G-C.
Other names: c.862C>G, p.Arg288Gly (NM_001271427.2, NM_001271428.2, NM_001375820.1 and 1 more transcripts); c.796C>G, p.Arg266Gly (NM_001271429.2); short protein forms R288G, R266G.
Identifiers: ClinVar variation 2818545 (VCV002818545.3), dbSNP rs751352541, ClinGen allele CA338768221.